The following is an entry in ClinVar:

ClinVar aggregate classification (germline): Uncertain significance (1 of 4 stars; one submission).

Conditions:
Cowden syndrome (CS). Also called: Cowden's disease; Cowden's syndrome; Cowden disease. Identifiers: Orphanet 201, MedGen C0018553, MONDO:0016063. Disease mechanism: gain of function.

Submission:

Labcorp Genetics (formerly Invitae), Labcorp
Classification: Uncertain significance for Cowden syndrome. Last evaluated: 2022-03-17. Review status: criteria provided, single submitter. Criteria: Invitae Variant Classification Sherloc (09022015). Collection method: clinical testing. Allele origin: germline.
Comment: This variant has not been reported in the literature in individuals affected with PIK3CA-related conditions. In summary, the available evidence is currently insufficient to determine the role of this variant in disease. Therefore, it has been classified as a Variant of Uncertain Significance. Algorithms developed to predict the effect of missense changes on protein structure and function are either unavailable or do not agree on the potential impact of this missense change (SIFT: "Deleterious"; PolyPhen-2: "Probably Damaging"; Align-GVGD: "Class C15"). This variant is not present in population databases (gnomAD no frequency). This sequence change replaces leucine, which is neutral and non-polar, with phenylalanine, which is neutral and non-polar, at codon 658 of the PIK3CA protein (p.Leu658Phe).

NM_006218.4(PIK3CA):c.1974G>C (p.Leu658Phe)

Gene: PIK3CA (phosphatidylinositol-4,5-bisphosphate 3-kinase catalytic subunit alpha; plus strand). Cytogenetic location: 3q26.32.
Variant type: single nucleotide variant.
Coding change: c.1974G>C on transcript NM_006218.4 (MANE Select); coding-DNA position 1974, G replaced by C.
Protein change: p.Leu658Phe; replaces leucine 658 with phenylalanine.
Molecular consequence: missense variant.
Genome position (GRCh38, 1-based): chr3:179,220,011, G>C. VCF-style: chr3-179220011-G-C. GRCh37 (hg19) VCF-style: chr3-178937799-G-C.
Other names: short protein forms L658F.
Identifiers: ClinVar variation 2113249 (VCV002113249.4), dbSNP rs1576943264, ClinGen allele CA355267303.